The following is an entry in ClinVar:

NM_000238.4(KCNH2):c.1564G>A (p.Gly522Arg)

Gene: KCNH2 (potassium voltage-gated channel subfamily H member 2; minus strand). Cytogenetic location: 7q36.1.
Variant type: single nucleotide variant.
Coding change: c.1564G>A on transcript NM_000238.4 (MANE Select); coding-DNA position 1564, G replaced by A.
Protein change: p.Gly522Arg; replaces glycine 522 with arginine.
Molecular consequence: missense variant.
Genome position (GRCh38, 1-based): chr7:150,951,829, C>T on the plus strand (G>A on the coding strand, the complement: KCNH2 is on the minus strand). VCF-style: chr7-150951829-C-T. GRCh37 (hg19) VCF-style: chr7-150648917-C-T.
Other names: c.1564G>A (LRG_288t1, NM_000238.2); c.544G>A, p.Gly182Arg (NM_001204798.2, NM_172057.3); c.1276G>A, p.Gly426Arg (NM_001406753.1, NM_001406756.1); c.1387G>A, p.Gly463Arg (NM_001406755.1); c.1264G>A, p.Gly422Arg (NM_001406757.1); c.1564G>A, p.Gly522Arg (NM_172056.3); short protein forms G182R, G522R, G463R, G422R, G426R.
Identifiers: ClinVar variation 67212 (VCV000067212.12), dbSNP rs199473514, ClinGen allele CA004798.

ClinVar aggregate classification (germline): Uncertain significance. Review status: criteria provided, multiple submitters, no conflicts (2 of 4 stars). 4 submissions from 4 submitters: Uncertain significance (3). 1 of the submissions does not count toward it. Last evaluated 2026-04-07.

Conditions:
Cardiac arrhythmia. Also called: Arrhythmia; Cardiac rhythm disease. Identifiers: MedGen C0003811, MONDO:0007263, HP:0011675.
Familial long QT syndrome (RWS). Also called: Congenital long QT syndrome; Romano-Ward syndrome; VENTRICULAR FIBRILLATION WITH PROLONGED QT INTERVAL. Identifiers: Orphanet 768, MedGen C1141890, MONDO:0019171.
Long QT syndrome (LQTS). Identifiers: MedGen C0023976, MeSH D008133, MONDO:0002442. Disease mechanism: loss of function. Inheritance: Various modes of inheritance.

Submissions (4):

GeneDx
Classification: Uncertain significance. Last evaluated: 2026-04-07. Review status: criteria provided, single submitter. Criteria: GeneDx Variant Classification Process June 2021. Collection method: clinical testing. Allele origin: germline.
Comment: Not observed at significant frequency in large population cohorts (gnomAD); In silico analysis supports that this missense variant has a deleterious effect on protein structure/function; Reported in association with Long QT syndrome; however, detailed clinical information was not provided (PMID: 19862833); This variant is associated with the following publications: (PMID: 26147798, 32579932, 26269718, 19862833)

Color Diagnostics, LLC DBA Color Health
Classification: Uncertain significance for Cardiac arrhythmia. Last evaluated: 2025-05-13. Review status: criteria provided, single submitter. Criteria: ACMG Guidelines, 2015. Collection method: clinical testing. Allele origin: germline.
Comment: This missense variant replaces glycine with arginine at codon 522 of the KCNH2 protein. This variant is located within the conserved transmembrane S4 (aa 521-541) of the KCNH2 protein. Rare non-truncating variants in this region have been shown to be significantly overrepresented in individuals with long QT syndrome (PMID: 32893267). Computational prediction suggests that this variant may have a deleterious impact on protein structure and function. To our knowledge, functional studies have not been reported for this variant. This variant has been reported in an individual affected with long QT syndrome (PMID: 19862833). This variant has not been identified in the general population by the Genome Aggregation Database (gnomAD). The available evidence is insufficient to determine the role of this variant in disease conclusively. Therefore, this variant is classified as a Variant of Uncertain Significance.

Labcorp Genetics (formerly Invitae), Labcorp
Classification: Uncertain significance for Long QT syndrome. Last evaluated: 2025-03-25. Review status: criteria provided, single submitter. Criteria: Invitae Variant Classification Sherloc (09022015). Collection method: clinical testing. Allele origin: germline.
Comment: This sequence change replaces glycine, which is neutral and non-polar, with arginine, which is basic and polar, at codon 522 of the KCNH2 protein (p.Gly522Arg). This variant is not present in population databases (gnomAD no frequency). This missense change has been observed in individual(s) with long QT syndrome (PMID: 19862833). ClinVar contains an entry for this variant (Variation ID: 67212). An algorithm developed to predict the effect of missense changes on protein structure and function (PolyPhen-2) suggests that this variant is likely to be disruptive. In summary, the available evidence is currently insufficient to determine the role of this variant in disease. Therefore, it has been classified as a Variant of Uncertain Significance.

Cardiovascular Biomedical Research Unit, Royal Brompton & Harefield NHS Foundation Trust
No classification provided. Condition: Familial long QT syndrome. Review status: no classification provided. Collection method: literature only. Allele origin: germline. Not counted in ClinVar's aggregate classification.
Comment: This variant has been reported as associated with Long QT syndrome in the following publications (PMID:19862833). This is a literature report, and does not necessarily reflect the clinical interpretation of the Imperial College / Royal Brompton Cardiovascular Genetics laboratory.

Literature cited by the submitters: PubMed 19862833 (cited by 3 submitters); PubMed 32893267 (cited by Color Diagnostics, LLC DBA Color Health); PubMed 22581653 (cited by Cardiovascular Biomedical Research Unit, Royal Brompton & Harefield NHS Foundation Trust).